The following is an entry in ClinVar:

ClinVar aggregate classification (germline): Benign/Likely benign. Review status: criteria provided, multiple submitters, no conflicts (2 of 4 stars). 4 submissions from 4 submitters: Benign (1); Likely benign (2). 1 of the submissions does not count toward it. Last evaluated 2024-04-04.

Conditions:
Tramadol response. Also called: Ultram response. Identifiers: MedGen CN078023.

Allele frequency attached by ClinVar (database versions not stated): TOPMed 0.61424; 1000 Genomes Project 30x 0.63242.

Submissions (4):

Labcorp Genetics (formerly Invitae), Labcorp
Classification: Benign. Last evaluated: 2024-04-04. Review status: criteria provided, single submitter. Criteria: Invitae Variant Classification Sherloc (09022015). Collection method: clinical testing. Allele origin: germline.

GeneDx
Classification: Likely benign. Last evaluated: 2018-03-09. Review status: criteria provided, single submitter. Criteria: GeneDx Variant Classification (06012015). Collection method: clinical testing. Allele origin: germline. Affected: yes.
Comment: This variant is considered likely benign or benign based on one or more of the following criteria: it is a conservative change, it occurs at a poorly conserved position in the protein, it is predicted to be benign by multiple in silico algorithms, and/or has population frequency not consistent with disease.

Breakthrough Genomics
Classification: Likely benign. Review status: criteria provided, single submitter. Criteria: ACMG Guidelines, 2015. Collection method: not provided. Allele origin: germline. Inheritance: Autosomal recessive inheritance. Affected: yes.

Bruce Budowle Laboratory, University of North Texas Health Science Center
Classification: drug response for Tramadol response. Last evaluated: 2018-04-28. Review status: no assertion criteria provided. Collection method: research. Allele origin: somatic. Affected: yes. Observed: 32 variant alleles. Not counted in ClinVar's aggregate classification.

NM_000106.6(CYP2D6):c.886= (p.Arg296=)

Gene: CYP2D6 (cytochrome P450 family 2 subfamily D member 6 (gene/pseudogene); minus strand). Cytogenetic location: 22q13.2.
Variant type: single nucleotide variant.
Coding change: c.886= on transcript NM_000106.6 (MANE Select); coding-DNA position 886, no change from the reference sequence.
Protein change: p.Arg296=; no amino-acid change (arginine 296 retained).
Molecular consequence: no sequence alteration.
Genome position: GRCh38 VCF-style: chr22-42127941-G-G. GRCh37 (hg19) VCF-style: chr22-42523943-A-G.
Other names: c.886=, p.Arg296= (LRG_303t1); c.733=, p.Arg245= (NM_001025161.3).
Identifiers: ClinVar variation 516890 (VCV000516890.6), dbSNP rs16947.
Genomic context (GRCh38, chr22:42,127,941, plus strand): 5'-AGGCCAGCGTGGTCGAGGTGGTCACCATCCCGGCAGAGAACAGGTCAGCCACCACTATGC[G=]CAGGTTCTCATCATTGAAGCTGCTCTCAGGGTTCCCCTTGGCCTGAGCAGGGCCGAGAGC-3'
Protein context (NP_000097.3, residues 286-306): PESSFNDENL[Arg296=]IVVADLFSAG